The following is an entry in ClinVar:

ClinVar aggregate classification (germline): Likely benign (1 of 4 stars; one submission).

Submission:

Mayo Clinic Laboratories, Mayo Clinic
Classification: Likely benign. Last evaluated: 2025-08-29. Review status: criteria provided, single submitter. Criteria: ACMG Guidelines, 2015. Collection method: clinical testing. Allele origin: germline. Observed: 1 variant allele.
Comment: BS1

NM_000722.4(CACNA2D1):c.1516-11_1516-10del

Gene: CACNA2D1 (calcium voltage-gated channel auxiliary subunit alpha2delta 1; minus strand). Cytogenetic location: 7q21.11.
Variant type: Deletion.
Coding change: c.1516-11_1516-10del on transcript NM_000722.4 (MANE Select); 11 bases into the intron before coding-DNA position 1516 through 10 bases into the intron before coding-DNA position 1516, 2 bases deleted (TT; older notation c.1516-11_1516-10delTT).
Molecular consequence: intron variant.
Genome position (GRCh38, 1-based): chr7:82,005,507-82,005,508, AA deleted on the plus strand (TT on the coding strand, the reverse complement: CACNA2D1 is on the minus strand); deleting any 2 consecutive bases within chr7:82,005,507-82,005,520 gives the same sequence; the c. name uses the placement nearest the transcript's 3' end. VCF-style (leftmost placement, unchanged base first): chr7-82005506-GAA-G. GRCh37 (hg19) VCF-style: chr7-81634822-GAA-G.
Other names: p.?; c.1516-11_1516-10del (NM_001366867.1).
Identifiers: ClinVar variation 4683281 (VCV004683281.1).